The following is an entry in ClinVar:

NM_001197104.2(KMT2A):c.10409C>T (p.Ser3470Phe)

Gene: KMT2A (lysine methyltransferase 2A; plus strand). Cytogenetic location: 11q23.3.
Variant type: single nucleotide variant.
Coding change: c.10409C>T on transcript NM_001197104.2 (MANE Select); coding-DNA position 10409, C replaced by T.
Protein change: p.Ser3470Phe; replaces serine 3470 with phenylalanine.
Molecular consequence: missense variant.
Genome position (GRCh38, 1-based): chr11:118,506,301, C>T. VCF-style: chr11-118506301-C-T. GRCh37 (hg19) VCF-style: chr11-118377016-C-T.
Other names: c.10499C>T, p.Ser3500Phe (NM_001412597.1); c.10400C>T, p.Ser3467Phe (NM_005933.4); short protein forms S3467F, S3500F, S3470F.
Identifiers: ClinVar variation 3012359 (VCV003012359.3), dbSNP rs782211693, ClinGen allele CA6304742.

ClinVar aggregate classification (germline): Uncertain significance (1 of 4 stars; one submission).

Allele frequency attached by ClinVar (database versions not stated): gnomAD exomes below 0.00001; ExAC 0.00001; TOPMed 0.00002.
gnomAD v4.1: 3 of 1,614,202 alleles (0.00019%); highest among the groups gnomAD compares: African/African-American, 0.0027%; no homozygotes.

Submission:

Labcorp Genetics (formerly Invitae), Labcorp
Classification: Uncertain significance. Last evaluated: 2023-11-27. Review status: criteria provided, single submitter. Criteria: Invitae Variant Classification Sherloc (09022015). Collection method: clinical testing. Allele origin: germline.
Comment: This sequence change replaces serine, which is neutral and polar, with phenylalanine, which is neutral and non-polar, at codon 3470 of the KMT2A protein (p.Ser3470Phe). This variant is present in population databases (rs782211693, gnomAD 0.007%). This variant has not been reported in the literature in individuals affected with KMT2A-related conditions. Advanced modeling of protein sequence and biophysical properties (such as structural, functional, and spatial information, amino acid conservation, physicochemical variation, residue mobility, and thermodynamic stability) performed at Invitae indicates that this missense variant is not expected to disrupt KMT2A protein function with a negative predictive value of 95%. In summary, the available evidence is currently insufficient to determine the role of this variant in disease. Therefore, it has been classified as a Variant of Uncertain Significance.